The following is an entry in ClinVar:

NM_001330063.2(ANKFY1):c.10+200C>A

Gene: ANKFY1 (ankyrin repeat and FYVE domain containing 1; minus strand). Cytogenetic location: 17p13.2.
Variant type: single nucleotide variant.
Coding change: c.10+200C>A on transcript NM_001330063.2 (MANE Select); 200 bases into the intron after coding-DNA position 10, C replaced by A.
Molecular consequence: intron variant. On other transcripts: 5 prime UTR variant (1).
Genome position (GRCh38, 1-based): chr17:4,263,732, G>T on the plus strand (C>A on the coding strand, the complement: ANKFY1 is on the minus strand). VCF-style: chr17-4263732-G-T. GRCh37 (hg19) VCF-style: chr17-4167027-G-T.
Other names: c.-2C>A (NM_001257999.3); c.10+200C>A (NM_016376.5).
Identifiers: ClinVar variation 3049629 (VCV003049629.2), dbSNP rs533022527, ClinGen allele CA8301878.

ClinVar aggregate classification (germline): Likely benign (0 of 4 stars; one submission).

Conditions:
ANKFY1-related disorder. Also called: ANKFY1-related condition.

Allele frequency attached by ClinVar (database versions not stated): ExAC 0.00071; gnomAD 0.00078; TOPMed 0.00095; 1000 Genomes Project 30x 0.00109; 1000 Genomes Project 0.00140.
gnomAD v4.1: 209 of 1,481,864 alleles (0.014%); highest among the groups gnomAD compares: African/African-American, 0.26%; 1 homozygote.

Submission:

PreventionGenetics, part of Exact Sciences
Classification: Likely benign for ANKFY1-related condition. Last evaluated: 2019-11-14. Review status: no assertion criteria provided. Collection method: clinical testing. Allele origin: germline.
Comment: This variant is classified as likely benign based on ACMG/AMP sequence variant interpretation guidelines (Richards et al. 2015 PMID: 25741868, with internal and published modifications).